The following is an entry in ClinVar:

NM_016604.4(KDM3B):c.4932T>G (p.His1644Gln)

Gene: KDM3B (lysine demethylase 3B; plus strand). Cytogenetic location: 5q31.2.
Variant type: single nucleotide variant.
Coding change: c.4932T>G on transcript NM_016604.4 (MANE Select); coding-DNA position 4932, T replaced by G.
Protein change: p.His1644Gln; replaces histidine 1644 with glutamine.
Molecular consequence: missense variant.
Genome position (GRCh38, 1-based): chr5:138,430,287, T>G. VCF-style: chr5-138430287-T-G. GRCh37 (hg19) VCF-style: chr5-137765976-T-G.
Other names: short protein forms H1644Q.
Identifiers: ClinVar variation 3600734 (VCV003600734.1).

ClinVar aggregate classification (germline): Uncertain significance (1 of 4 stars; one submission).

Submission:

GeneDx
Classification: Uncertain significance. Last evaluated: 2024-07-17. Review status: criteria provided, single submitter. Criteria: GeneDx Variant Classification Process June 2021. Collection method: clinical testing. Allele origin: germline. Affected: yes.
Comment: Not observed at significant frequency in large population cohorts (gnomAD); In silico analysis supports that this missense variant has a deleterious effect on protein structure/function; Has not been previously published as pathogenic or benign to our knowledge